The following is an entry in ClinVar:

ClinVar aggregate classification (germline): Uncertain significance (1 of 4 stars; one submission).

Conditions:
Peroxisome biogenesis disorder 5A (Zellweger) (PBD5A). Identifiers: Orphanet 912, MedGen C3553940, MONDO:0013932, OMIM 614866.

Allele frequency attached by ClinVar (database versions not stated): TOPMed below 0.00001.
gnomAD v4.1: 4 of 1,614,080 alleles (0.00025%); highest among the groups gnomAD compares: Admixed American, 0.0033%; no homozygotes.

Submission:

Labcorp Genetics (formerly Invitae), Labcorp
Classification: Uncertain significance for Peroxisome biogenesis disorder 5A (Zellweger). Last evaluated: 2022-04-15. Review status: criteria provided, single submitter. Criteria: Invitae Variant Classification Sherloc (09022015). Collection method: clinical testing. Allele origin: germline.
Comment: This sequence change replaces tyrosine, which is neutral and polar, with cysteine, which is neutral and slightly polar, at codon 277 of the PEX2 protein (p.Tyr277Cys). This variant is present in population databases (no rsID available, gnomAD 0.006%). This variant has not been reported in the literature in individuals affected with PEX2-related conditions. Algorithms developed to predict the effect of missense changes on protein structure and function are either unavailable or do not agree on the potential impact of this missense change (SIFT: "Tolerated"; PolyPhen-2: "Possibly Damaging"; Align-GVGD: "Class C0"). In summary, the available evidence is currently insufficient to determine the role of this variant in disease. Therefore, it has been classified as a Variant of Uncertain Significance.

NM_000318.3(PEX2):c.830A>G (p.Tyr277Cys)

Gene: PEX2 (peroxisomal biogenesis factor 2; minus strand). Cytogenetic location: 8q21.13.
Variant type: single nucleotide variant.
Coding change: c.830A>G on transcript NM_000318.3 (MANE Select); coding-DNA position 830, A replaced by G.
Protein change: p.Tyr277Cys; replaces tyrosine 277 with cysteine.
Molecular consequence: missense variant.
Genome position (GRCh38, 1-based): chr8:76,983,349, T>C on the plus strand (A>G on the coding strand, the complement: PEX2 is on the minus strand). VCF-style: chr8-76983349-T-C. GRCh37 (hg19) VCF-style: chr8-77895585-T-C.
Other names: c.830A>G, p.Tyr277Cys (NM_001079867.2, NM_001172086.2, NM_001172087.2); short protein forms Y277C.
Identifiers: ClinVar variation 1991811 (VCV001991811.1), dbSNP rs1245191952, ClinGen allele CA371556475.